The following is an entry in ClinVar:

ClinVar aggregate classification (germline): Pathogenic (1 of 4 stars; one submission).

Conditions:
Neurofibromatosis, type 1 (NF1). Also called: VON RECKLINGHAUSEN DISEASE; NEUROFIBROMATOSIS, TYPE I, SOMATIC; Peripheral type neurofibromatosis; Neurofibromatosis, type I. Identifiers: Orphanet 636, MedGen C0027831, MONDO:0018975, OMIM 162200. Disease mechanism: loss of function.

Submission:

Labcorp Genetics (formerly Invitae), Labcorp
Classification: Pathogenic for Neurofibromatosis, type 1. Last evaluated: 2017-04-22. Review status: criteria provided, single submitter. Criteria: Invitae Variant Classification Sherloc (09022015). Collection method: clinical testing. Allele origin: germline.
Comment: This sequence change deletes 1 nucleotide from exon 23 of the NF1 mRNA (c.3075delG), causing a frameshift at codon 1026. This creates a premature translational stop signal (p.Arg1026Glufs*10) and is expected to result in an absent or disrupted protein product. While this particular variant has not been reported in the literature, loss-of-function variants in NF1 are known to be pathogenic (PMID: 10712197, 23913538). For these reasons, this variant has been classified as Pathogenic.

NM_001042492.3(NF1):c.3075del (p.Arg1026fs)

Gene: NF1 (neurofibromin 1; plus strand). Cytogenetic location: 17q11.2.
Variant type: Deletion.
Coding change: c.3075del on transcript NM_001042492.3 (MANE Select); coding-DNA position 3075, one base deleted (G; older notation c.3075delG).
Protein change: p.Arg1026fs; shifts the reading frame from arginine 1026.
Molecular consequence: frameshift variant.
Genome position (GRCh38, 1-based): chr17:31,230,344, G deleted; the last of 2 consecutive G bases (chr17:31,230,343-31,230,344); deleting either gives the same sequence. VCF-style (leftmost placement, unchanged base first): chr17-31230342-AG-A. GRCh37 (hg19) VCF-style: chr17-29557360-AG-A.
Other names: c.3075delG (NM_000267.3); c.3075delG, p.Arg1026Glufs (NM_000267.4); short protein forms R1026fs.
Identifiers: ClinVar variation 457620 (VCV000457620.1), dbSNP rs1555614526, ClinGen allele CA658656560.